The following is an entry in ClinVar:

NM_000553.6(WRN):c.3102T>G (p.Tyr1034Ter)

Gene: WRN (WRN RecQ like helicase; plus strand). Cytogenetic location: 8p12.
Variant type: single nucleotide variant.
Coding change: c.3102T>G on transcript NM_000553.6 (MANE Select); coding-DNA position 3102, T replaced by G.
Protein change: p.Tyr1034Ter; replaces tyrosine 1034 with a stop codon.
Molecular consequence: nonsense.
Genome position (GRCh38, 1-based): chr8:31,141,564, T>G. VCF-style: chr8-31141564-T-G. GRCh37 (hg19) VCF-style: chr8-30999080-T-G.
Other names: short protein forms Y1034*.
Identifiers: ClinVar variation 567775 (VCV000567775.7), dbSNP rs1563376526, ClinGen allele CA370922362.

ClinVar aggregate classification (germline): Pathogenic (1 of 4 stars; one submission).

Conditions:
Werner syndrome (WRN). Identifiers: Orphanet 902, MedGen C0043119, MONDO:0010196, OMIM 277700.

Allele frequency attached by ClinVar (database versions not stated): gnomAD exomes below 0.00001.

Submission:

Labcorp Genetics (formerly Invitae), Labcorp
Classification: Pathogenic for Werner syndrome. Last evaluated: 2024-10-17. Review status: criteria provided, single submitter. Criteria: Invitae Variant Classification Sherloc (09022015). Collection method: clinical testing. Allele origin: germline.
Comment: This sequence change creates a premature translational stop signal (p.Tyr1034*) in the WRN gene. It is expected to result in an absent or disrupted protein product. Loss-of-function variants in WRN are known to be pathogenic (PMID: 16673358). This variant is not present in population databases (gnomAD no frequency). This variant has not been reported in the literature in individuals affected with WRN-related conditions. ClinVar contains an entry for this variant (Variation ID: 567775). For these reasons, this variant has been classified as Pathogenic.

Literature cited by the submitters: PubMed 16673358.